The following is an entry in ClinVar:

ClinVar aggregate classification (germline): Pathogenic. Review status: criteria provided, multiple submitters, no conflicts (2 of 4 stars). 2 submissions from 2 submitters: Pathogenic (2). Last evaluated 2025-12-24.

Conditions:
HYPERHOMOCYSTEINEMIA, THROMBOTIC, CBS-RELATED. Identifiers: MedGen C3150344, OMIM 236200.
Classic homocystinuria. Also called: Homocystinuria due to Cystathionine Beta-Synthase Deficiency; HOMOCYSTINURIA WITH OR WITHOUT RESPONSE TO PYRIDOXINE; Homocystinuria due to CBS deficiency; Cystathionine beta-synthase deficiency; CBS deficiency. Identifiers: Orphanet 394, MedGen C0751202, MONDO:0009352, OMIM 236200.

Submissions (2):

Labcorp Genetics (formerly Invitae), Labcorp
Classification: Pathogenic for HYPERHOMOCYSTEINEMIA, THROMBOTIC, CBS-RELATED. Last evaluated: 2025-12-24. Review status: criteria provided, single submitter. Criteria: Invitae Variant Classification Sherloc (09022015). Collection method: clinical testing. Allele origin: germline.
Comment: This sequence change creates a premature translational stop signal (p.Ala71Glyfs*34) in the CBS gene. It is expected to result in an absent or disrupted protein product. Loss-of-function variants in CBS are known to be pathogenic (PMID: 10338090, 12124992). This variant is not present in population databases (gnomAD no frequency). This premature translational stop signal has been observed in individual(s) with homocystinuria due to CBS deficiency (PMID: 12124992). This variant is also known as IVS1+1insC. ClinVar contains an entry for this variant (Variation ID: 2680404). Algorithms developed to predict the effect of sequence changes on RNA splicing suggest that this variant may disrupt the consensus splice site. For these reasons, this variant has been classified as Pathogenic.

Baylor Genetics
Classification: Pathogenic for Classic homocystinuria. Last evaluated: 2023-07-28. Review status: criteria provided, single submitter. Criteria: ACMG Guidelines, 2015. Collection method: clinical testing. Allele origin: unknown.

Literature cited by the submitters: PubMed 10338090 (cited by Labcorp Genetics (formerly Invitae), Labcorp); PubMed 12124992 (cited by Labcorp Genetics (formerly Invitae), Labcorp).

NM_000071.3(CBS):c.209dup (p.Ala71fs)

Gene: CBS (cystathionine beta-synthase; minus strand). Cytogenetic location: 21q22.3.
Variant type: Duplication.
Coding change: c.209dup on transcript NM_000071.3 (MANE Select); coding-DNA position 209, one base duplicated (C; older notation c.209dupC).
Protein change: p.Ala71fs; shifts the reading frame from alanine 71.
Molecular consequence: frameshift variant.
Genome position (GRCh38, 1-based): chr21:43,071,985, G duplicated on the plus strand (C on the coding strand, the reverse complement: CBS is on the minus strand); the first of 4 consecutive G bases (chr21:43,071,985-43,071,988); duplicating any one gives the same sequence. VCF-style (leftmost placement, unchanged base first): chr21-43071984-C-CG. GRCh37 (hg19) VCF-style: chr21-44492094-C-CG.
Other names: c.209dup, p.Ala71fs (NM_001178008.3, NM_001178009.3, NM_001320298.2); short protein forms A71fs.
Identifiers: ClinVar variation 2680404 (VCV002680404.2), dbSNP rs948402447, ClinGen allele CA321103731.